The following is an entry in ClinVar:

NM_138370.3(PKDCC):c.1348C>T (p.His450Tyr)

Gene: PKDCC (protein kinase domain containing, cytoplasmic; plus strand). Cytogenetic location: 2p21.
Variant type: single nucleotide variant.
Coding change: c.1348C>T on transcript NM_138370.3 (MANE Select); coding-DNA position 1348, C replaced by T.
Protein change: p.His450Tyr; replaces histidine 450 with tyrosine.
Molecular consequence: missense variant.
Genome position (GRCh38, 1-based): chr2:42,057,346, C>T. VCF-style: chr2-42057346-C-T. GRCh37 (hg19) VCF-style: chr2-42284486-C-T.
Other names: short protein forms H450Y.
Identifiers: ClinVar variation 1352661 (VCV001352661.8), dbSNP rs1668074420, ClinGen allele CA346625102.

ClinVar aggregate classification (germline): Uncertain significance (1 of 4 stars; one submission).

Allele frequency attached by ClinVar (database versions not stated): gnomAD exomes 0.00001.
gnomAD v4.1: 8 of 1,614,204 alleles (0.0005%); highest among the groups gnomAD compares: South Asian, 0.0022%; no homozygotes.

Submission:

Labcorp Genetics (formerly Invitae), Labcorp
Classification: Uncertain significance. Last evaluated: 2022-07-12. Review status: criteria provided, single submitter. Criteria: Invitae Variant Classification Sherloc (09022015). Collection method: clinical testing. Allele origin: germline.
Comment: This sequence change replaces histidine, which is basic and polar, with tyrosine, which is neutral and polar, at codon 450 of the PKDCC protein (p.His450Tyr). This variant is not present in population databases (gnomAD no frequency). This variant has not been reported in the literature in individuals affected with PKDCC-related conditions. ClinVar contains an entry for this variant (Variation ID: 1352661). Algorithms developed to predict the effect of missense changes on protein structure and function (SIFT, PolyPhen-2, Align-GVGD) all suggest that this variant is likely to be tolerated. In summary, the available evidence is currently insufficient to determine the role of this variant in disease. Therefore, it has been classified as a Variant of Uncertain Significance.